The following is an entry in ClinVar:

ClinVar aggregate classification (germline): Benign/Likely benign. Review status: criteria provided, multiple submitters, no conflicts (2 of 4 stars). 5 submissions from 5 submitters: Benign (3); Likely benign (2). Last evaluated 2026-07-01.

Allele frequency attached by ClinVar (database versions not stated): 1000 Genomes Project 30x 0.00187; 1000 Genomes Project 0.00220; TOPMed 0.00284; gnomAD 0.00321 and 0.00326; ESP Exome Variant Server 0.00323; gnomAD exomes 0.00351 and 0.00431; ExAC 0.00367.
gnomAD v4.1: 6,689 of 1,593,706 alleles (0.42%); highest among the groups gnomAD compares: Middle Eastern, 1.4%; 17 homozygotes.

Submissions (5):

CeGaT Center for Human Genetics Tuebingen
Classification: Likely benign. Last evaluated: 2026-07-01. Review status: criteria provided, single submitter. Criteria: CeGaT Center For Human Genetics Tuebingen Variant Classification Criteria Version 2. Collection method: clinical testing. Allele origin: germline. Affected: yes. Observed: 2 variant alleles.
Comment: THRA: BP4, BS2

Blueprint Genetics
Classification: Likely benign. Last evaluated: 2024-11-22. Review status: criteria provided, single submitter. Criteria: ACMG Guidelines, 2015. Collection method: clinical testing. Allele origin: germline.

Labcorp Genetics (formerly Invitae), Labcorp
Classification: Benign. Last evaluated: 2019-12-31. Review status: criteria provided, single submitter. Criteria: Invitae Variant Classification Sherloc (09022015). Collection method: clinical testing. Allele origin: germline.

Breakthrough Genomics
Classification: Benign. Review status: criteria provided, single submitter. Criteria: ACMG Guidelines, 2015. Collection method: not provided. Allele origin: germline. Inheritance: Autosomal dominant inheritance. Affected: yes.

PreventionGenetics, part of Exact Sciences
Classification: Benign. Review status: criteria provided, single submitter. Criteria: ACMG Guidelines, 2015. Collection method: clinical testing. Allele origin: germline.

NM_199334.5(THRA):c.738C>T (p.Asp246=)

Gene: THRA (thyroid hormone receptor alpha; plus strand). Cytogenetic location: 17q21.1.
Variant type: single nucleotide variant.
Coding change: c.738C>T on transcript NM_199334.5 (MANE Select); coding-DNA position 738, C replaced by T.
Protein change: p.Asp246=; no amino-acid change (aspartic acid 246 retained).
Molecular consequence: synonymous variant.
Genome position (GRCh38, 1-based): chr17:40,088,256, C>T. VCF-style: chr17-40088256-C-T. GRCh37 (hg19) VCF-style: chr17-38244509-C-T.
Other names: c.738C>T, p.Asp246= (NM_001190918.2, NM_001190919.2, NM_003250.6).
Identifiers: ClinVar variation 259021 (VCV000259021.21), dbSNP rs41283431, ClinGen allele CA8539227.